The following is an entry in ClinVar:

NM_001130438.3(SPTAN1):c.7405_7407del (p.Glu2469del)

Gene: SPTAN1 (spectrin alpha, non-erythrocytic 1; plus strand). Cytogenetic location: 9q34.11.
Variant type: Deletion.
Coding change: c.7405_7407del on transcript NM_001130438.3 (MANE Select); coding-DNA positions 7405 to 7407, 3 bases deleted (GAG; older notation c.7405_7407delGAG).
Protein change: p.Glu2469del; deletes glutamic acid 2469.
Genome position (GRCh38, 1-based): chr9:128,633,305-128,633,307, GAG deleted; deleting any 3 consecutive bases within chr9:128,633,304-128,633,307 gives the same sequence; the c. name uses the placement nearest the transcript's 3' end. VCF-style (leftmost placement, unchanged base first): chr9-128633303-TGGA-T. GRCh37 (hg19) VCF-style: chr9-131395582-TGGA-T.
Other names: c.7330_7332del, p.Glu2444del (NM_001195532.2); c.7468_7470del, p.Glu2490del (NM_001363759.2); c.7345_7347del, p.Glu2449del (NM_001363765.2, NM_001375314.2); c.7492_7494del, p.Glu2498del (NM_001375310.1); c.7405_7407del, p.Glu2469del (NM_001375311.2); c.7441_7443del, p.Glu2481del (NM_001375312.2); c.7387_7389del, p.Glu2463del (NM_001375313.1); c.7504_7506del, p.Glu2502del (NM_001375318.1); and 1 more; short protein forms E2444del, E2449del, E2463del, E2464del, E2469del, E2481del, E2490del, E2498del.
Identifiers: ClinVar variation 3034431 (VCV003034431.2), dbSNP rs2542411238, ClinGen allele CA2740092857.

ClinVar aggregate classification (germline): Uncertain significance (0 of 4 stars; one submission).

Conditions:
SPTAN1-related disorder. Also called: SPTAN1-related condition; SPTAN1-related disorders.

Submission:

PreventionGenetics, part of Exact Sciences
Classification: Uncertain significance for SPTAN1-related condition. Last evaluated: 2023-11-22. Review status: no assertion criteria provided. Collection method: clinical testing. Allele origin: germline.
Comment: The SPTAN1 c.7405_7407delGAG variant is predicted to result in an in-frame deletion (p.Glu2469del). To our knowledge, this variant has not been reported in the literature or in a large population database, indicating this variant is rare. At this time, the clinical significance of this variant is uncertain due to the absence of conclusive functional and genetic evidence.